The following is an entry in ClinVar:

ClinVar aggregate classification (germline): Uncertain significance. Review status: criteria provided, multiple submitters, no conflicts (2 of 4 stars). 2 submissions from 2 submitters: Uncertain significance (2). Last evaluated 2025-06-24.

Conditions:
Inborn genetic diseases. Identifiers: MedGen C0950123, MeSH D030342.
Congenital myasthenic syndrome 2A. Also called: Myasthenic syndrome, congenital, 2a, slow-channel. Identifiers: Orphanet 590, MedGen C4225374, MONDO:0014581, OMIM 616313.

Submissions (2):

Ambry Genetics
Classification: Uncertain significance for Inborn genetic diseases. Last evaluated: 2025-06-24. Review status: criteria provided, single submitter. Criteria: Ambry Variant Classification Scheme 2023. Collection method: clinical testing. Allele origin: germline.

Labcorp Genetics (formerly Invitae), Labcorp
Classification: Uncertain significance for Congenital myasthenic syndrome 2A. Last evaluated: 2025-03-30. Review status: criteria provided, single submitter. Criteria: Invitae Variant Classification Sherloc (09022015). Collection method: clinical testing. Allele origin: germline.
Comment: This sequence change replaces serine, which is neutral and polar, with asparagine, which is neutral and polar, at codon 65 of the CHRNB1 protein (p.Ser65Asn). This variant is not present in population databases (gnomAD no frequency). This variant has not been reported in the literature in individuals affected with CHRNB1-related conditions. Invitae Evidence Modeling of protein sequence and biophysical properties (such as structural, functional, and spatial information, amino acid conservation, physicochemical variation, residue mobility, and thermodynamic stability) indicates that this missense variant is not expected to disrupt CHRNB1 protein function with a negative predictive value of 80%. In summary, the available evidence is currently insufficient to determine the role of this variant in disease. Therefore, it has been classified as a Variant of Uncertain Significance.

NM_000747.3(CHRNB1):c.194G>A (p.Ser65Asn)

Gene: CHRNB1 (cholinergic receptor nicotinic beta 1 subunit; plus strand). Cytogenetic location: 17p13.1.
Variant type: single nucleotide variant.
Coding change: c.194G>A on transcript NM_000747.3 (MANE Select); coding-DNA position 194, G replaced by A.
Protein change: p.Ser65Asn; replaces serine 65 with asparagine.
Molecular consequence: missense variant.
Genome position (GRCh38, 1-based): chr17:7,445,405, G>A. VCF-style: chr17-7445405-G-A. GRCh37 (hg19) VCF-style: chr17-7348724-G-A.
Other names: short protein forms S65N.
Identifiers: ClinVar variation 4228496 (VCV004228496.2).